The following is an entry in ClinVar:

ClinVar aggregate classification (germline): Benign/Likely benign. Review status: criteria provided, multiple submitters, no conflicts (2 of 4 stars). 9 submissions from 9 submitters: Benign (7); Likely benign (2). Last evaluated 2026-01-27.

Conditions:
Cardiovascular phenotype. Identifiers: MedGen CN230736.
Spinocerebellar ataxia type 19/22 (SCA19). Also called: SPINOCEREBELLAR ATAXIA 19; SPINOCEREBELLAR ATAXIA 22. Identifiers: Orphanet 98772, MedGen C1846367, MONDO:0011819, OMIM 607346.

Allele frequency attached by ClinVar (database versions not stated): 1000 Genomes Project 0.00379; ESP Exome Variant Server 0.00384; gnomAD 0.00386; TOPMed 0.00434; 1000 Genomes Project 30x 0.00453.
gnomAD v4.1: 1,201 of 1,614,132 alleles (0.074%); highest among the groups gnomAD compares: African/African-American, 1.4%; 11 homozygotes.

Submissions (9):

Labcorp Genetics (formerly Invitae), Labcorp
Classification: Benign for Spinocerebellar ataxia type 19/22. Last evaluated: 2026-01-27. Review status: criteria provided, single submitter. Criteria: Invitae Variant Classification Sherloc (09022015). Collection method: clinical testing. Allele origin: germline.

CeGaT Center for Human Genetics Tuebingen
Classification: Likely benign. Last evaluated: 2026-01-01. Review status: criteria provided, single submitter. Criteria: CeGaT Center For Human Genetics Tuebingen Variant Classification Criteria Version 2. Collection method: clinical testing. Allele origin: germline. Affected: yes. Observed: 2 variant alleles.
Comment: KCND3: BP4, BP7, BS1

Mayo Clinic Laboratories, Mayo Clinic
Classification: Benign. Last evaluated: 2025-06-10. Review status: criteria provided, single submitter. Criteria: ACMG Guidelines, 2015. Collection method: clinical testing. Allele origin: germline. Observed: 3 variant alleles.
Comment: BS1, BS2, BP4, BP7

Blueprint Genetics
Classification: Likely benign. Last evaluated: 2024-11-06. Review status: criteria provided, single submitter. Criteria: ACMG Guidelines, 2015. Collection method: clinical testing. Allele origin: germline.

Athena Diagnostics
Classification: Benign. Last evaluated: 2024-07-05. Review status: criteria provided, single submitter. Criteria: Athena Diagnostics Criteria. Collection method: clinical testing. Allele origin: unknown.

Women's Health and Genetics/Laboratory Corporation of America, LabCorp
Classification: Benign. Last evaluated: 2024-01-15. Review status: criteria provided, single submitter. Criteria: LabCorp Variant Classification Summary - May 2015. Collection method: clinical testing. Allele origin: germline.

GeneDx
Classification: Benign. Last evaluated: 2017-02-10. Review status: criteria provided, single submitter. Criteria: GeneDx Variant Classification (06012015). Collection method: clinical testing. Allele origin: germline. Affected: yes.
Comment: This variant is considered likely benign or benign based on one or more of the following criteria: it is a conservative change, it occurs at a poorly conserved position in the protein, it is predicted to be benign by multiple in silico algorithms, and/or has population frequency not consistent with disease.

Ambry Genetics
Classification: Benign for Cardiovascular phenotype. Last evaluated: 2016-10-17. Review status: criteria provided, single submitter. Criteria: Ambry Variant Classification Scheme 2023. Collection method: clinical testing. Allele origin: germline.

Breakthrough Genomics
Classification: Benign. Review status: criteria provided, single submitter. Criteria: ACMG Guidelines, 2015. Collection method: not provided. Allele origin: germline. Inheritance: Autosomal dominant inheritance. Affected: yes.

NM_001378969.1(KCND3):c.957C>G (p.Ser319=)

Gene: KCND3 (potassium voltage-gated channel subfamily D member 3; minus strand). Cytogenetic location: 1p13.2.
Variant type: single nucleotide variant.
Coding change: c.957C>G on transcript NM_001378969.1 (MANE Select); coding-DNA position 957, C replaced by G.
Protein change: p.Ser319=; no amino-acid change (serine 319 retained).
Molecular consequence: synonymous variant.
Genome position (GRCh38, 1-based): chr1:111,981,770, G>C on the plus strand (C>G on the coding strand, the complement: KCND3 is on the minus strand). VCF-style: chr1-111981770-G-C. GRCh37 (hg19) VCF-style: chr1-112524392-G-C.
Other names: p.Ser319=; c.957C>G, p.Ser319= (NM_001378970.1, NM_004980.5, NM_172198.3).
Identifiers: ClinVar variation 415282 (VCV000415282.27), dbSNP rs61733426, ClinGen allele CA1007530.